The following is an entry in ClinVar:

ClinVar aggregate classification (germline): Uncertain significance (1 of 4 stars; one submission).

Conditions:
Tay-Sachs disease (TSD). Also called: HEXA DEFICIENCY; GM2 gangliosidosis, type 1; Hexosaminidase alpha-subunit deficiency (variant B); Sphingolipidosis, Tay-Sachs; Hexosaminidase A Deficiency; HEXA Disorders. Identifiers: Orphanet 845, MedGen C0039373, MONDO:0010100, OMIM 272800.

Allele frequency attached by ClinVar (database versions not stated): gnomAD exomes below 0.00001.
gnomAD v4.1: 1 of 1,614,256 alleles (0.000062%); highest among the groups gnomAD compares: South Asian, 0.0011%; no homozygotes.

Submission:

Labcorp Genetics (formerly Invitae), Labcorp
Classification: Uncertain significance for Tay-Sachs disease. Last evaluated: 2021-08-26. Review status: criteria provided, single submitter. Criteria: Invitae Variant Classification Sherloc (09022015). Collection method: clinical testing. Allele origin: germline.
Comment: This sequence change replaces serine with asparagine at codon 486 of the HEXA protein (p.Ser486Asn). The serine residue is highly conserved and there is a small physicochemical difference between serine and asparagine. This variant is not present in population databases (ExAC no frequency). This variant has not been reported in the literature in individuals affected with HEXA-related conditions. Algorithms developed to predict the effect of missense changes on protein structure and function are either unavailable or do not agree on the potential impact of this missense change (SIFT: "Deleterious"; PolyPhen-2: "Probably Damaging"; Align-GVGD: "Class C0"). In summary, the available evidence is currently insufficient to determine the role of this variant in disease. Therefore, it has been classified as a Variant of Uncertain Significance.

NM_000520.6(HEXA):c.1457G>A (p.Ser486Asn)

Gene: HEXA (hexosaminidase subunit alpha; minus strand). Cytogenetic location: 15q23.
Variant type: single nucleotide variant.
Coding change: c.1457G>A on transcript NM_000520.6 (MANE Select); coding-DNA position 1457, G replaced by A.
Protein change: p.Ser486Asn; replaces serine 486 with asparagine.
Molecular consequence: missense variant. On other transcripts: non-coding transcript variant (1).
Genome position (GRCh38, 1-based): chr15:72,345,515, C>T on the plus strand (G>A on the coding strand, the complement: HEXA is on the minus strand). VCF-style: chr15-72345515-C-T. GRCh37 (hg19) VCF-style: chr15-72637856-C-T.
Other names: c.1490G>A, p.Ser497Asn (NM_001318825.2); short protein forms S486N, S497N.
Identifiers: ClinVar variation 1366981 (VCV001366981.5), dbSNP rs1408716264, ClinGen allele CA393058784.